The following is an entry in ClinVar:

ClinVar aggregate classification (germline): Uncertain significance (1 of 4 stars; one submission).

Conditions:
Pyogenic arthritis-pyoderma gangrenosum-acne syndrome (PAPA). Also called: PAPA SYNDROME; FAMILIAL RECURRENT ARTHRITIS. Identifiers: Orphanet 69126, MedGen C1858361, MONDO:0011462, OMIM 604416.

Submission:

Labcorp Genetics (formerly Invitae), Labcorp
Classification: Uncertain significance for Pyogenic arthritis-pyoderma gangrenosum-acne syndrome. Last evaluated: 2025-02-25. Review status: criteria provided, single submitter. Criteria: Invitae Variant Classification Sherloc (09022015). Collection method: clinical testing. Allele origin: germline.
Comment: This sequence change affects a donor splice site in intron 10 of the PSTPIP1 gene. It is expected to disrupt RNA splicing. Variants that disrupt the donor or acceptor splice site typically lead to a loss of protein function (PMID: 16199547), however the current clinical and genetic evidence is not sufficient to establish whether loss-of-function variants in PSTPIP1 cause disease. This variant is not present in population databases (gnomAD no frequency). This variant has not been reported in the literature in individuals affected with PSTPIP1-related conditions. Algorithms developed to predict the effect of sequence changes on RNA splicing suggest that this variant may disrupt the consensus splice site. In summary, the available evidence is currently insufficient to determine the role of this variant in disease. Therefore, it has been classified as a Variant of Uncertain Significance.

Literature cited by the submitters: PubMed 16199547.

NM_003978.5(PSTPIP1):c.741+1G>A

Gene: PSTPIP1 (proline-serine-threonine phosphatase interacting protein 1; plus strand). Cytogenetic location: 15q24.3.
Variant type: single nucleotide variant.
Coding change: c.741+1G>A on transcript NM_003978.5 (MANE Select); the canonical splice donor site of the intron after coding-DNA position 741, G replaced by A.
Molecular consequence: splice donor variant.
Genome position (GRCh38, 1-based): chr15:77,031,279, G>A. VCF-style: chr15-77031279-G-A. GRCh37 (hg19) VCF-style: chr15-77323620-G-A.
Other names: c.936+1G>A (NM_001321137.1); c.714+1G>A (NM_001321136.2); c.741+1G>A (NM_001321135.2, NM_001411086.1).
Identifiers: ClinVar variation 4713284 (VCV004713284.1).